The following is an entry in ClinVar:

ClinVar aggregate classification (germline): Benign. Review status: criteria provided, multiple submitters, no conflicts (2 of 4 stars). 3 submissions from 3 submitters: Benign (3). Last evaluated 2021-07-10.

Conditions:
Congenital lactic acidosis, Saguenay-Lac-Saint-Jean type (MC4DN5). Also called: CYTOCHROME c OXIDASE DEFICIENCY, FRENCH CANADIAN TYPE; COX DEFICIENCY, FRENCH CANADIAN TYPE; MITOCHONDRIAL COMPLEX IV DEFICIENCY, NUCLEAR TYPE 5. Identifiers: Orphanet 70472, MedGen C1857355, MONDO:0009069, OMIM 220111.

Allele frequency attached by ClinVar (database versions not stated): 1000 Genomes Project 0.15755; 1000 Genomes Project 30x 0.16162; gnomAD 0.20314 and 0.21424; TOPMed 0.21407.

Submissions (3):

Genome-Nilou Lab
Classification: Benign for Congenital lactic acidosis, Saguenay-Lac-Saint-Jean type. Last evaluated: 2021-07-10. Review status: criteria provided, single submitter. Criteria: ACMG Guidelines, 2015. Collection method: clinical testing. Allele origin: germline. Affected: no.

GeneDx
Classification: Benign. Last evaluated: 2018-06-18. Review status: criteria provided, single submitter. Criteria: GeneDx Variant Classification (06012015). Collection method: clinical testing. Allele origin: germline. Affected: yes.
Comment: This variant is considered likely benign or benign based on one or more of the following criteria: it is a conservative change, it occurs at a poorly conserved position in the protein, it is predicted to be benign by multiple in silico algorithms, and/or has population frequency not consistent with disease.

Breakthrough Genomics
Classification: Benign. Review status: criteria provided, single submitter. Criteria: ACMG Guidelines, 2015. Collection method: not provided. Allele origin: germline. Inheritance: Autosomal recessive inheritance. Affected: yes.

NM_133259.4(LRPPRC):c.738-70T>C

Gene: LRPPRC (leucine rich pentatricopeptide repeat containing; minus strand). Cytogenetic location: 2p21.
Variant type: single nucleotide variant.
Coding change: c.738-70T>C on transcript NM_133259.4 (MANE Select); 70 bases into the intron before coding-DNA position 738, T replaced by C.
Molecular consequence: intron variant.
Genome position (GRCh38, 1-based): chr2:43,975,287, A>G on the plus strand (T>C on the coding strand, the complement: LRPPRC is on the minus strand). VCF-style: chr2-43975287-A-G. GRCh37 (hg19) VCF-style: chr2-44202426-A-G.
Identifiers: ClinVar variation 671653 (VCV000671653.5), dbSNP rs17031786, ClinGen allele CA15187966.